The following is an entry in ClinVar:

ClinVar aggregate classification (germline): Uncertain significance (1 of 4 stars; one submission).

Conditions:
Familial thoracic aortic aneurysm and aortic dissection (TAAD). Also called: Thoracic aortic aneurysms and dissections. Identifiers: Orphanet 91387, MedGen C4707243, MONDO:0019625.

Submission:

Color Diagnostics, LLC DBA Color Health
Classification: Uncertain significance for Familial thoracic aortic aneurysm and aortic dissection. Last evaluated: 2025-06-17. Review status: criteria provided, single submitter. Criteria: ACMG Guidelines, 2015. Collection method: clinical testing. Allele origin: germline.
Comment: This missense variant replaces asparagine with serine at codon 1669 of the FBN1 protein. Computational prediction is inconclusive regarding the impact of this variant on protein structure and function. To our knowledge, functional studies have not been reported for this variant. This variant has not been reported in individuals affected with FBN1-related disorders in the literature. This variant has not been identified in the general population by the Genome Aggregation Database (gnomAD). The available evidence is insufficient to determine the role of this variant in disease conclusively. Therefore, this variant is classified as a Variant of Uncertain Significance.

NM_000138.5(FBN1):c.5006A>G (p.Asn1669Ser)

Gene: FBN1 (fibrillin 1; minus strand). Cytogenetic location: 15q21.1.
Variant type: single nucleotide variant.
Coding change: c.5006A>G on transcript NM_000138.5 (MANE Select); coding-DNA position 5006, A replaced by G.
Protein change: p.Asn1669Ser; replaces asparagine 1669 with serine.
Molecular consequence: missense variant.
Genome position (GRCh38, 1-based): chr15:48,463,958, T>C on the plus strand (A>G on the coding strand, the complement: FBN1 is on the minus strand). VCF-style: chr15-48463958-T-C. GRCh37 (hg19) VCF-style: chr15-48756155-T-C.
Other names: c.5006A>G, p.Asn1669Ser (NM_001406716.1); short protein forms N1669S.
Identifiers: ClinVar variation 4756904 (VCV004756904.1).
Genomic context (GRCh38, chr15:48,463,958, plus strand): 5'-CCCATGCAATTATTTCCCCCATTCACTTGCATGTAGTCTGGAGGACAGATACAGGTGTAG[T>C]TGCCAACGGTGTTGTAACATGTCCCTGGACCACAGATTCCAGGAGTCTCACATTCATTCA-3'
Protein context (NP_000129.3, residues 1659-1679): GPGTCYNTVG[Asn1669Ser]YTCICPPDYM